The following is an entry in ClinVar:

ClinVar aggregate classification (germline): Conflicting classifications of pathogenicity. Review status: criteria provided, conflicting classifications (1 of 4 stars). 4 submissions from 4 submitters: Uncertain significance (3); Benign (1). Last evaluated 2024-08-10.

Conditions:
Hereditary cancer-predisposing syndrome. Also called: Tumor predisposition; Neoplastic Syndromes, Hereditary; Hereditary neoplastic syndrome; Hereditary Cancer Syndrome. Identifiers: Orphanet 140162, MedGen C0027672, MeSH D009386, MONDO:0015356.
Gorlin syndrome. Also called: Basal cell nevus syndrome; Nevoid Basal Cell Carcinoma Syndrome. Identifiers: Orphanet 377, MedGen C0004779, MONDO:0007187.

Allele frequency attached by ClinVar (database versions not stated): TOPMed below 0.00001; gnomAD exomes 0.00001 and below 0.00001.
gnomAD v4.1: 3 of 1,614,114 alleles (0.00019%); highest among the groups gnomAD compares: South Asian, 0.0022%; no homozygotes.

Submissions (4):

Ambry Genetics
Classification: Uncertain significance for Hereditary cancer-predisposing syndrome. Last evaluated: 2024-08-10. Review status: criteria provided, single submitter. Criteria: Ambry Variant Classification Scheme 2023. Collection method: clinical testing. Allele origin: germline.
Comment: The p.M363V variant (also known as c.1087A>G), located in coding exon 8 of the PTCH1 gene, results from an A to G substitution at nucleotide position 1087. The methionine at codon 363 is replaced by valine, an amino acid with highly similar properties. This amino acid position is conserved. In addition, this alteration is predicted to be deleterious by in silico analysis. Since supporting evidence is limited at this time, the clinical significance of this alteration remains unclear.

Labcorp Genetics (formerly Invitae), Labcorp
Classification: Benign for Gorlin syndrome. Last evaluated: 2024-07-06. Review status: criteria provided, single submitter. Criteria: Invitae Variant Classification Sherloc (09022015). Collection method: clinical testing. Allele origin: germline.

GeneDx
Classification: Uncertain significance. Last evaluated: 2023-04-25. Review status: criteria provided, single submitter. Criteria: GeneDx Variant Classification Process June 2021. Collection method: clinical testing. Allele origin: germline.
Comment: Not observed at significant frequency in large population cohorts (gnomAD); In silico analysis supports that this missense variant does not alter protein structure/function; Has not been previously published as pathogenic or benign to our knowledge; This variant is associated with the following publications: (PMID: 8906794)

Quest Diagnostics Nichols Institute San Juan Capistrano
Classification: Uncertain significance. Last evaluated: 2022-09-21. Review status: criteria provided, single submitter. Criteria: Quest Diagnostics criteria. Collection method: clinical testing. Allele origin: unknown.
Comment: The variant has not been reported in the published literature. The frequency of this variant in the general population, 0.000004 (1/251494 chromosomes), is uninformative in assessment of its pathogenicity. Analysis of this variant using bioinformatics tools for the prediction of the effect of amino acid changes on protein structure and function yielded conflicting predictions that this variant is deleterious or benign. Based on the available information, we are unable to determine the clinical significance of this variant.

NM_000264.5(PTCH1):c.1087A>G (p.Met363Val)

Gene: PTCH1 (patched 1; minus strand). Cytogenetic location: 9q22.32.
Variant type: single nucleotide variant.
Coding change: c.1087A>G on transcript NM_000264.5 (MANE Select); coding-DNA position 1087, A replaced by G.
Protein change: p.Met363Val; replaces methionine 363 with valine.
Molecular consequence: missense variant. On other transcripts: non-coding transcript variant (1).
Genome position (GRCh38, 1-based): chr9:95,479,128, T>C on the plus strand (A>G on the coding strand, the complement: PTCH1 is on the minus strand). VCF-style: chr9-95479128-T-C. GRCh37 (hg19) VCF-style: chr9-98241410-T-C.
Other names: c.889A>G, p.Met297Val (NM_001083602.3); c.1084A>G, p.Met362Val (NM_001083603.3); c.634A>G, p.Met212Val (NM_001083604.3, NM_001083605.3, NM_001083606.3 and 1 more transcripts); c.1087A>G, p.Met363Val (NM_001354918.2); c.1087A>G (NM_000264.4); short protein forms M212V, M297V, M362V, M363V.
Identifiers: ClinVar variation 1003334 (VCV001003334.14), dbSNP rs1342698215, ClinGen allele CA374119504.